The following is an entry in ClinVar:

NM_001377.3(DYNC2H1):c.7694T>A (p.Leu2565Ter)

Gene: DYNC2H1 (dynein cytoplasmic 2 heavy chain 1; plus strand). Cytogenetic location: 11q22.3.
Variant type: single nucleotide variant.
Coding change: c.7694T>A on transcript NM_001377.3 (MANE Select); coding-DNA position 7694, T replaced by A.
Protein change: p.Leu2565Ter; replaces leucine 2565 with a stop codon.
Molecular consequence: nonsense.
Genome position (GRCh38, 1-based): chr11:103,192,250, T>A. VCF-style: chr11-103192250-T-A. GRCh37 (hg19) VCF-style: chr11-103062979-T-A.
Other names: c.7694T>A, p.Leu2565Ter (NM_001080463.2); short protein forms L2565*.
Identifiers: ClinVar variation 5015844 (VCV005015844.1).
Genomic context (GRCh38, chr11:103,192,250, plus strand): 5'-TTCATTTATTTGACATCATTTTAACATCAGTGTTTCAAGGAGATTGGGGCTCAGACATAT[T>A]AGACAATATGTCAGGTAAGGTAATAGAGCTTATGCAAATACATAACTATTACAAGGATTT-3'

ClinVar aggregate classification (germline): Pathogenic (1 of 4 stars; one submission).

Conditions:
Asphyxiating thoracic dystrophy 3. Also called: SHORT-RIB THORACIC DYSPLASIA 3 WITH OR WITHOUT POLYDACTYLY; POLYDACTYLY WITH NEONATAL CHONDRODYSTROPHY, TYPE I; SHORT-RIB THORACIC DYSPLASIA 3/6 WITH POLYDACTYLY, DIGENIC; Short rib polydactyly syndrome 2B; Saldino-Noonan Syndrome. Identifiers: Orphanet 474, Orphanet 93269, Orphanet 93270, Orphanet 93271, MedGen C0036069, MONDO:0013127, OMIM 613091.

gnomAD v4.1: 1 of 1,558,388 alleles (0.000064%); highest among the groups gnomAD compares: Non-Finnish European, 0.000087%; no homozygotes.

Submission:

Myriad Genetics, Inc.
Classification: Pathogenic for Asphyxiating thoracic dystrophy 3. Last evaluated: 2026-04-30. Review status: criteria provided, single submitter. Criteria: Myriad Autosomal Dominant, Autosomal Recessive and X-Linked Classification Criteria (2023). Collection method: clinical testing. Allele origin: unknown.
Comment: NM_001377.2(DYNC2H1):c.7694T>A(L2565*) is expected to be pathogenic in the context of DYNC2H1-related disorders. This variant is predicted to lead to an abnormal or absent protein product due to the creation of a premature termination codon in DYNC2H1, a gene where loss-of-function variants are known to be pathogenic. Please note: this variant was assessed in the context of healthy population screening.